The following is an entry in ClinVar:

NM_004655.4(AXIN2):c.136A>T (p.Thr46Ser)

Gene: AXIN2 (axin 2; minus strand). Cytogenetic location: 17q24.1.
Variant type: single nucleotide variant.
Coding change: c.136A>T on transcript NM_004655.4 (MANE Select); coding-DNA position 136, A replaced by T.
Protein change: p.Thr46Ser; replaces threonine 46 with serine.
Molecular consequence: missense variant.
Genome position (GRCh38, 1-based): chr17:65,558,485, T>A on the plus strand (A>T on the coding strand, the complement: AXIN2 is on the minus strand). VCF-style: chr17-65558485-T-A. GRCh37 (hg19) VCF-style: chr17-63554603-T-A.
Other names: c.136A>T, p.Thr46Ser (NM_001363813.1); short protein forms T46S.
Identifiers: ClinVar variation 5032581 (VCV005032581.1).

ClinVar aggregate classification (germline): Uncertain significance (1 of 4 stars; one submission).

Conditions:
Hereditary cancer-predisposing syndrome. Also called: Neoplastic Syndromes, Hereditary; Tumor predisposition; Hereditary neoplastic syndrome; Hereditary Cancer Syndrome. Identifiers: Orphanet 140162, MedGen C0027672, MeSH D009386, MONDO:0015356.

Submission:

Ambry Genetics
Classification: Uncertain significance for Hereditary cancer-predisposing syndrome. Last evaluated: 2026-07-06. Review status: criteria provided, single submitter. Criteria: Ambry Variant Classification Scheme 2023. Collection method: clinical testing. Allele origin: germline.
Comment: The p.T46S variant (also known as c.136A>T), located in coding exon 1 of the AXIN2 gene, results from an A to T substitution at nucleotide position 136. The threonine at codon 46 is replaced by serine, an amino acid with similar properties. This amino acid position is conserved. In addition, this alteration is predicted to be tolerated by in silico analysis. Based on the available evidence, the clinical significance of this variant remains unclear.